The following is an entry in ClinVar:

NM_000552.5(VWF):c.657+9_657+11delinsACACGGC

Gene: VWF (von Willebrand factor; minus strand). Cytogenetic location: 12p13.31.
Variant type: Indel.
Coding change: c.657+9_657+11delinsACACGGC on transcript NM_000552.5 (MANE Select); bases 9 to 11 of the intron after coding-DNA position 657, GGA replaced by ACACGGC.
Molecular consequence: intron variant.
Genome position (GRCh38, 1-based): chr12:6,095,449-6,095,451, TCC replaced by GCCGTGT on the plus strand (GGA replaced by ACACGGC on the coding strand, the reverse complement: VWF is on the minus strand). VCF-style: chr12-6095449-TCC-GCCGTGT. GRCh37 (hg19) VCF-style: chr12-6204615-TCC-GCCGTGT.
Identifiers: ClinVar variation 4847168 (VCV004847168.1).

ClinVar aggregate classification (germline): Likely benign (1 of 4 stars; one submission).

Submission:

Women's Health and Genetics/Laboratory Corporation of America, LabCorp
Classification: Likely benign. Last evaluated: 2026-03-17. Review status: criteria provided, single submitter. Criteria: LabCorp Variant Classification Summary - May 2015. Collection method: clinical testing. Allele origin: germline.
Comment: Variant summary: VWF c.657+9_657+11delinsACACGGC alters a non-conserved nucleotide located at a position not widely known to affect splicing. Consensus agreement among computation tools predict no significant impact on normal splicing. However, these predictions have yet to be confirmed by functional studies. The variant was absent in 839434 control chromosomes. The available data on variant occurrences in the general population are insufficient to allow any conclusion about variant significance. To our knowledge, no occurrence of c.657+9_657+11delinsACACGGC in individuals affected with VWF-related conditions and no experimental evidence demonstrating its impact on protein function have been reported. No submitters have cited clinical-significance assessments for this variant to ClinVar. Based on the evidence outlined above, the variant was classified as likely benign.